The following is an entry in ClinVar:

ClinVar aggregate classification (germline): Pathogenic. Review status: criteria provided, multiple submitters, no conflicts (2 of 4 stars). 2 submissions from 2 submitters: Pathogenic (2). Last evaluated 2024-03-07.

Conditions:
Intellectual developmental disorder with behavioral abnormalities and craniofacial dysmorphism with or without seizures. Identifiers: MedGen C5231476, MONDO:0032883, OMIM 618725.

Submissions (2):

GeneDx
Classification: Pathogenic. Last evaluated: 2024-03-07. Review status: criteria provided, single submitter. Criteria: GeneDx Variant Classification Process June 2021. Collection method: clinical testing. Allele origin: germline. Affected: yes.
Comment: Nonsense variant predicted to result in protein truncation or nonsense mediated decay in a gene for which loss of function is a known mechanism of disease; Not observed at significant frequency in large population cohorts (gnomAD); This variant is associated with the following publications: (PMID: 36158052)

3billion
Classification: Pathogenic for Intellectual developmental disorder with behavioral abnormalities and craniofacial dysmorphism with or without seizures. Last evaluated: 2021-10-02. Review status: criteria provided, single submitter. Criteria: ACMG Guidelines, 2015. Collection method: clinical testing. Allele origin: germline. Affected: yes. Observed: 1 heterozygote.
Comment: Stop-gained (nonsense): predicted to result in a loss or disruption of normal protein function through nonsense-mediated decay (NMD) or protein truncation. Multiple pathogenic variants are reported downstream of the variant (PVS1_VS). The variant was observed as assumed (i.e. paternity and maternity not confirmed) de novoo (3billion dataset, PM6). It is not observed in the gnomAD v2.1.1 dataset (PM2). Therefore, this variant is classified as pathogenic according to the recommendation of ACMG/AMP guideline.

NM_001352027.3(PHF21A):c.1174A>T (p.Lys392Ter)

Gene: PHF21A (PHD finger protein 21A; minus strand). Cytogenetic location: 11p11.2.
Variant type: single nucleotide variant.
Coding change: c.1174A>T on transcript NM_001352027.3 (MANE Select); coding-DNA position 1174, A replaced by T.
Protein change: p.Lys392Ter; replaces lysine 392 with a stop codon.
Molecular consequence: nonsense. On other transcripts: non-coding transcript variant (2).
Genome position (GRCh38, 1-based): chr11:45,949,455, T>A on the plus strand (A>T on the coding strand, the complement: PHF21A is on the minus strand). VCF-style: chr11-45949455-T-A. GRCh37 (hg19) VCF-style: chr11-45971006-T-A.
Other names: c.1171A>T, p.Lys391Ter (NM_001101802.3, NM_001352030.3, NM_001352031.3 and 1 more transcripts); c.1174A>T, p.Lys392Ter (NM_001352025.3, NM_001352026.3, NM_001352028.1 and 2 more transcripts); c.1174A>T (NM_016621.3); short protein forms K391*, K392*.
Identifiers: ClinVar variation 1320144 (VCV001320144.2), dbSNP rs2135465689, ClinGen allele CA380201172.
Genomic context (GRCh38, chr11:45,949,455, plus strand): 5'-GTAATACCTCTGGCTCAAAGACTGCTCCACTGTAGACCGGATTTGCTGTTGTTCTTCTTT[T>A]TCGCTCTTGCCTCTTGCTTTGGATTTCTTGAGAGAAGAAAAGGTTTTCATTAGCAGAGAG-3'